The following is an entry in ClinVar:

NM_001384474.1(LOXHD1):c.2329C>T (p.Gln777Ter)

Gene: LOXHD1 (lipoxygenase homology PLAT domains 1; minus strand). Cytogenetic location: 18q21.1.
Variant type: single nucleotide variant.
Coding change: c.2329C>T on transcript NM_001384474.1 (MANE Select); coding-DNA position 2329, C replaced by T.
Protein change: p.Gln777Ter; replaces glutamine 777 with a stop codon.
Molecular consequence: nonsense.
Genome position (GRCh38, 1-based): chr18:46,566,365, G>A on the plus strand (C>T on the coding strand, the complement: LOXHD1 is on the minus strand). VCF-style: chr18-46566365-G-A. GRCh37 (hg19) VCF-style: chr18-44146328-G-A.
Other names: c.2329C>T, p.Gln777Ter (NM_144612.7); c.2329C>T (NM_144612.6); short protein forms Q777*.
Identifiers: ClinVar variation 1455068 (VCV001455068.9), dbSNP rs2144060132, ClinGen allele CA402374179.

ClinVar aggregate classification (germline): Pathogenic. Review status: criteria provided, multiple submitters, no conflicts (2 of 4 stars). 2 submissions from 2 submitters: Pathogenic (2). Last evaluated 2025-06-13.

Conditions:
Autosomal recessive nonsyndromic hearing loss 77. Identifiers: Orphanet 90636, MedGen C2746083, MONDO:0013119, OMIM 613079.

Submissions (2):

Natera, Inc.
Classification: Pathogenic for Autosomal recessive deafness type 77. Last evaluated: 2025-06-13. Review status: criteria provided, single submitter. Criteria: Natera Variant Classification Schema (03/2026). Collection method: clinical testing. Allele origin: germline.
Comment: The c.2329C>T variant in LOXHD1 is a nonsense variant predicted to introduce a stop codon at amino acid 777. This variant is expected to result in nonsense mediated decay, truncation, or a dysfunctional protein product. This variant is rare in the general population with a frequency below the threshold expected for the associated phenotype(s). This variant has been observed in one or more individuals affected with the associated recessive disease, as either homozygous or compound heterozygous with a second variant (PMID: 32149082). Additionally, this variant has been observed to segregate in affected family members (PMID: 32149082). Given the available evidence, this variant is classified as Pathogenic.

Labcorp Genetics (formerly Invitae), Labcorp
Classification: Pathogenic. Last evaluated: 2023-01-07. Review status: criteria provided, single submitter. Criteria: Invitae Variant Classification Sherloc (09022015). Collection method: clinical testing. Allele origin: germline.
Comment: For these reasons, this variant has been classified as Pathogenic. ClinVar contains an entry for this variant (Variation ID: 1455068). This premature translational stop signal has been observed in individual(s) with nonsyndromic deafness (PMID: 32149082). In at least one individual the data is consistent with being in trans (on the opposite chromosome) from a pathogenic variant. It has also been observed to segregate with disease in related individuals. This variant is not present in population databases (gnomAD no frequency). This sequence change creates a premature translational stop signal (p.Gln777*) in the LOXHD1 gene. It is expected to result in an absent or disrupted protein product. Loss-of-function variants in LOXHD1 are known to be pathogenic (PMID: 19732867, 21465660, 25792669).

Literature cited by the submitters: PubMed 32149082 (cited by Natera, Inc. and Labcorp Genetics (formerly Invitae), Labcorp); PubMed 19732867 (cited by Labcorp Genetics (formerly Invitae), Labcorp); PubMed 21465660 (cited by Labcorp Genetics (formerly Invitae), Labcorp); PubMed 25792669 (cited by Labcorp Genetics (formerly Invitae), Labcorp).